The following is an entry in ClinVar:

ClinVar aggregate classification (germline): Uncertain significance (1 of 4 stars; one submission).

Conditions:
TNF receptor-associated periodic fever syndrome (TRAPS) (FPF). Also called: Autosomal Dominant Familial Periodic Fever; FAMILIAL HIBERNIAN FEVER; TNF RECEPTOR-ASSOCIATED PERIODIC SYNDROME; TUMOR NECROSIS FACTOR RECEPTOR-ASSOCIATED PERIODIC SYNDROME; TNF Receptor-Associated Periodic Fever Syndrome; TNF receptor 1-associated periodic fever syndrome. Identifiers: Orphanet 32960, MedGen C1275126, MONDO:0007727, OMIM 142680.

gnomAD v4.1: 5 of 1,604,610 alleles (0.00031%); highest among the groups gnomAD compares: Non-Finnish European, 0.00042%; no homozygotes.

Submission:

Labcorp Genetics (formerly Invitae), Labcorp
Classification: Uncertain significance for TNF receptor-associated periodic fever syndrome (TRAPS). Last evaluated: 2021-02-24. Review status: criteria provided, single submitter. Criteria: Invitae Variant Classification Sherloc (09022015). Collection method: clinical testing. Allele origin: germline.
Comment: In summary, the available evidence is currently insufficient to determine the role of this variant in disease. Therefore, it has been classified as a Variant of Uncertain Significance. This sequence change replaces isoleucine with leucine at codon 334 of the TNFRSF1A protein (p.Ile334Leu). The isoleucine residue is weakly conserved and there is a small physicochemical difference between isoleucine and leucine. This variant is not present in population databases (ExAC no frequency). This variant has not been reported in the literature in individuals with TNFRSF1A-related conditions. Advanced modeling of protein sequence and biophysical properties (such as structural, functional, and spatial information, amino acid conservation, physicochemical variation, residue mobility, and thermodynamic stability) performed at Invitae indicates that this missense variant is not expected to disrupt TNFRSF1A protein function.

NM_001065.4(TNFRSF1A):c.1000A>C (p.Ile334Leu)

Gene: TNFRSF1A (TNF receptor superfamily member 1A; minus strand). Cytogenetic location: 12p13.31.
Variant type: single nucleotide variant.
Coding change: c.1000A>C on transcript NM_001065.4 (MANE Select); coding-DNA position 1000, A replaced by C.
Protein change: p.Ile334Leu; replaces isoleucine 334 with leucine.
Molecular consequence: missense variant. On other transcripts: non-coding transcript variant (1).
Genome position (GRCh38, 1-based): chr12:6,329,835, T>G on the plus strand (A>C on the coding strand, the complement: TNFRSF1A is on the minus strand). VCF-style: chr12-6329835-T-G. GRCh37 (hg19) VCF-style: chr12-6439001-T-G.
Other names: c.676A>C, p.Ile226Leu (NM_001346091.2); c.541A>C, p.Ile181Leu (NM_001346092.2); short protein forms I226L, I334L, I181L.
Identifiers: ClinVar variation 1471313 (VCV001471313.8), dbSNP rs1178535061, ClinGen allele CA383545693.